The following is an entry in ClinVar:

ClinVar aggregate classification (germline): Uncertain significance. Review status: criteria provided, multiple submitters, no conflicts (2 of 4 stars). 2 submissions from 2 submitters: Uncertain significance (2). Last evaluated 2025-07-07.

Conditions:
EGFR-related lung cancer (EGFR). Identifiers: MedGen CN130014.
Hereditary cancer-predisposing syndrome. Also called: Neoplastic Syndromes, Hereditary; Hereditary neoplastic syndrome; Tumor predisposition; Hereditary Cancer Syndrome. Identifiers: Orphanet 140162, MedGen C0027672, MeSH D009386, MONDO:0015356.

Allele frequency attached by ClinVar (database versions not stated): gnomAD 0.00001; TOPMed 0.00001.
gnomAD v4.1: 10 of 1,614,094 alleles (0.00062%); highest among the groups gnomAD compares: Non-Finnish European, 0.00068%; no homozygotes.

Submissions (2):

Ambry Genetics
Classification: Uncertain significance for Hereditary cancer-predisposing syndrome. Last evaluated: 2025-07-07. Review status: criteria provided, single submitter. Criteria: Ambry Variant Classification Scheme 2023. Collection method: clinical testing. Allele origin: germline.
Comment: The p.N639D variant (also known as c.1915A>G), located in coding exon 16 of the EGFR gene, results from an A to G substitution at nucleotide position 1915. The asparagine at codon 639 is replaced by aspartic acid, an amino acid with highly similar properties. This amino acid position is conserved. In addition, this alteration is predicted to be tolerated by in silico analysis. Based on the available evidence, the clinical significance of this variant remains unclear.

Labcorp Genetics (formerly Invitae), Labcorp
Classification: Uncertain significance for EGFR-related lung cancer. Last evaluated: 2024-03-20. Review status: criteria provided, single submitter. Criteria: Invitae Variant Classification Sherloc (09022015). Collection method: clinical testing. Allele origin: germline.
Comment: This sequence change replaces asparagine, which is neutral and polar, with aspartic acid, which is acidic and polar, at codon 639 of the EGFR protein (p.Asn639Asp). This variant is not present in population databases (gnomAD no frequency). This variant has not been reported in the literature in individuals affected with EGFR-related conditions. Advanced modeling of protein sequence and biophysical properties (such as structural, functional, and spatial information, amino acid conservation, physicochemical variation, residue mobility, and thermodynamic stability) performed at Invitae indicates that this missense variant is not expected to disrupt EGFR protein function with a negative predictive value of 80%. In summary, the available evidence is currently insufficient to determine the role of this variant in disease. Therefore, it has been classified as a Variant of Uncertain Significance.

NM_005228.5(EGFR):c.1915A>G (p.Asn639Asp)

Gene: EGFR (epidermal growth factor receptor; plus strand). Cytogenetic location: 7p11.2.
Variant type: single nucleotide variant.
Coding change: c.1915A>G on transcript NM_005228.5 (MANE Select); coding-DNA position 1915, A replaced by G.
Protein change: p.Asn639Asp; replaces asparagine 639 with aspartic acid.
Molecular consequence: missense variant.
Genome position (GRCh38, 1-based): chr7:55,171,209, A>G. VCF-style: chr7-55171209-A-G. GRCh37 (hg19) VCF-style: chr7-55238902-A-G.
Other names: c.1780A>G, p.Asn594Asp (NM_001346897.2, NM_001346899.2); c.1915A>G, p.Asn639Asp (NM_001346898.2); c.1756A>G, p.Asn586Asp (NM_001346900.2); c.1114A>G, p.Asn372Asp (NM_001346941.2); short protein forms N586D, N372D, N594D, N639D.
Identifiers: ClinVar variation 2888268 (VCV002888268.4), dbSNP rs1786334130, ClinGen allele CA367582308.